The following is an entry in ClinVar:

NM_148919.4(PSMB8):c.350T>C (p.Met117Thr)

Gene: PSMB8 (proteasome 20S subunit beta 8; minus strand). Cytogenetic location: 6p21.32.
Variant type: single nucleotide variant.
Coding change: c.350T>C on transcript NM_148919.4 (MANE Select); coding-DNA position 350, T replaced by C.
Protein change: p.Met117Thr; replaces methionine 117 with threonine.
Molecular consequence: missense variant.
Genome position (GRCh38, 1-based): chr6:32,842,729, A>G on the plus strand (T>C on the coding strand, the complement: PSMB8 is on the minus strand). VCF-style: chr6-32842729-A-G. GRCh37 (hg19) VCF-style: chr6-32810506-A-G.
Other names: c.338T>C, p.Met113Thr (NM_004159.5); short protein forms M113T, M117T.
Identifiers: ClinVar variation 858244 (VCV000858244.1), dbSNP rs1769996135, ClinGen allele CA363589187.

ClinVar aggregate classification (germline): Uncertain significance (1 of 4 stars; one submission).

Conditions:
Proteasome-associated autoinflammatory syndrome 1 (PRAAS1). Also called: JOINT CONTRACTURES, MUSCULAR ATROPHY, MICROCYTIC ANEMIA, AND PANNICULITIS-INDUCED LIPODYSTROPHY; JMP SYNDROME; AUTOINFLAMMATION, LIPODYSTROPHY, AND DERMATOSIS SYNDROME; NAKAJO-NISHIMURA SYNDROME; CHRONIC ATYPICAL NEUTROPHILIC DERMATOSIS WITH LIPODYSTROPHY AND ELEVATED TEMPERATURE SYNDROME; Nakajo syndrome. Identifiers: Orphanet 2615, Orphanet 324977, Orphanet 324999, Orphanet 325004, MedGen C4746851, MONDO:0054698, OMIM 256040.

Allele frequency attached by ClinVar (database versions not stated): gnomAD exomes below 0.00001; TOPMed below 0.00001.

Submission:

Labcorp Genetics (formerly Invitae), Labcorp
Classification: Uncertain significance for Nakajo-Nishimura syndrome. Last evaluated: 2019-12-31. Review status: criteria provided, single submitter. Criteria: Invitae Variant Classification Sherloc (09022015). Collection method: clinical testing. Allele origin: germline.
Comment: This sequence change replaces methionine with threonine at codon 117 of the PSMB8 protein (p.Met117Thr). The methionine residue is highly conserved and there is a moderate physicochemical difference between methionine and threonine. This variant is not present in population databases (ExAC no frequency). This variant has not been reported in the literature in individuals with PSMB8-related conditions. Algorithms developed to predict the effect of missense changes on protein structure and function (SIFT, PolyPhen-2, Align-GVGD) all suggest that this variant is likely to be disruptive, but these predictions have not been confirmed by published functional studies and their clinical significance is uncertain. In summary, the available evidence is currently insufficient to determine the role of this variant in disease. Therefore, it has been classified as a Variant of Uncertain Significance.